The following is an entry in ClinVar:

ClinVar aggregate classification (germline): Uncertain significance (1 of 4 stars; one submission).

Conditions:
Hereditary cancer-predisposing syndrome. Also called: Neoplastic Syndromes, Hereditary; Hereditary neoplastic syndrome; Tumor predisposition; Hereditary Cancer Syndrome. Identifiers: Orphanet 140162, MedGen C0027672, MeSH D009386, MONDO:0015356.

Submission:

Ambry Genetics
Classification: Uncertain significance for Hereditary cancer-predisposing syndrome. Last evaluated: 2022-12-26. Review status: criteria provided, single submitter. Criteria: Ambry Variant Classification Scheme 2023. Collection method: clinical testing. Allele origin: germline.
Comment: The p.R309K variant (also known as c.926G>A), located in coding exon 10 of the NF2 gene, results from a G to A substitution at nucleotide position 926. The arginine at codon 309 is replaced by lysine, an amino acid with highly similar properties. This amino acid position is conserved. In addition, the in silico prediction for this alteration is inconclusive. Since supporting evidence is limited at this time, the clinical significance of this alteration remains unclear.

NM_000268.4(NF2):c.926G>A (p.Arg309Lys)

Gene: NF2 (NF2, moesin-ezrin-radixin like (MERLIN) tumor suppressor; plus strand). Cytogenetic location: 22q12.2.
Variant type: single nucleotide variant.
Coding change: c.926G>A on transcript NM_000268.4 (MANE Select); coding-DNA position 926, G replaced by A.
Protein change: p.Arg309Lys; replaces arginine 309 with lysine.
Molecular consequence: missense variant. On other transcripts: non-coding transcript variant (1), intron variant (1).
Genome position (GRCh38, 1-based): chr22:29,668,373, G>A. VCF-style: chr22-29668373-G-A. GRCh37 (hg19) VCF-style: chr22-30064362-G-A.
Other names: c.812G>A, p.Arg271Lys (NM_001407053.1, NM_001407056.1); c.803G>A, p.Arg268Lys (NM_001407054.1, NM_001407058.1, NM_181829.3); c.800G>A, p.Arg267Lys (NM_001407055.1, NM_181828.3); c.791G>A, p.Arg264Lys (NM_001407057.1, NM_001407059.1); c.926G>A, p.Arg309Lys (NM_001407060.1, NM_001407066.1, NM_016418.5 and 2 more transcripts); c.668G>A, p.Arg223Lys (NM_001407062.1); c.677G>A, p.Arg226Lys (NM_001407063.1, NM_001407064.1, NM_181830.3 and 1 more transcripts); c.392G>A, p.Arg131Lys (NM_001407065.1); and 2 more; short protein forms R264K, R309K, R131K, R268K, R271K, R223K, R226K, R232K.
Identifiers: ClinVar variation 2453828 (VCV002453828.2), dbSNP rs2518645547, ClinGen allele CA411145747.